The following is an entry in ClinVar:

NM_025137.4(SPG11):c.3042dup (p.Ser1015Ter)

Gene: SPG11 (SPG11 vesicle trafficking associated, spatacsin; minus strand). Cytogenetic location: 15q21.1.
Variant type: Duplication.
Coding change: c.3042dup on transcript NM_025137.4 (MANE Select); coding-DNA position 3042, one base duplicated (T; older notation c.3042dupT).
Protein change: p.Ser1015Ter; replaces serine 1015 with a stop codon.
Molecular consequence: nonsense.
Genome position (GRCh38, 1-based): chr15:44,613,533, A duplicated on the plus strand (T on the coding strand, the reverse complement: SPG11 is on the minus strand); the first of 2 consecutive A bases (chr15:44,613,533-44,613,534); duplicating either gives the same sequence. VCF-style (leftmost placement, unchanged base first): chr15-44613532-T-TA. GRCh37 (hg19) VCF-style: chr15-44905730-T-TA.
Other names: c.3042dup, p.Ser1015Ter (NM_001160227.2, NM_001411132.1); short protein forms S1015*.
Identifiers: ClinVar variation 2857263 (VCV002857263.3), dbSNP rs2505501450, ClinGen allele CA2739278156.

ClinVar aggregate classification (germline): Pathogenic (1 of 4 stars; one submission).

Conditions:
Hereditary spastic paraplegia 11. Also called: SPASTIC PARAPLEGIA, AUTOSOMAL RECESSIVE, COMPLICATED, WITH THIN CORPUS CALLOSUM; SPASTIC PARAPLEGIA, AUTOSOMAL RECESSIVE, WITH MENTAL IMPAIRMENT AND THIN CORPUS CALLOSUM; Nakamura Osame syndrome; Autosomal recessive hereditary spastic paraplegia, mental impairment, and thin corpus callosum; Spastic paraplegia, mental retardation and thin corpus callosum; Spastic Paraplegia 11. Identifiers: Orphanet 2822, MedGen C1858479, MONDO:0011445, OMIM 604360.

Submission:

Labcorp Genetics (formerly Invitae), Labcorp
Classification: Pathogenic for Hereditary spastic paraplegia 11. Last evaluated: 2023-04-18. Review status: criteria provided, single submitter. Criteria: Invitae Variant Classification Sherloc (09022015). Collection method: clinical testing. Allele origin: germline.
Comment: For these reasons, this variant has been classified as Pathogenic. This variant has not been reported in the literature in individuals affected with SPG11-related conditions. This variant is not present in population databases (gnomAD no frequency). This sequence change creates a premature translational stop signal (p.Ser1015*) in the SPG11 gene. It is expected to result in an absent or disrupted protein product. Loss-of-function variants in SPG11 are known to be pathogenic (PMID: 19105190, 20110243, 22154821, 26556829).

Literature cited by the submitters: PubMed 19105190; PubMed 20110243; PubMed 22154821; PubMed 26556829.